The following is an entry in ClinVar:

ClinVar aggregate classification (germline): Likely pathogenic. Review status: criteria provided, multiple submitters, no conflicts (2 of 4 stars). 2 submissions from 2 submitters: Likely pathogenic (2). Last evaluated 2022-07-09.

Conditions:
Primary dilated cardiomyopathy (DCM). Also called: Dilated Cardiomyopathy. Identifiers: Orphanet 217604, MedGen C0007193, MeSH D002311, MONDO:0005021, HP:0001644. Inheritance: Various modes of inheritance.
Dilated cardiomyopathy 1G (CMD1G). Identifiers: Orphanet 154, MedGen C1858763, MONDO:0011400, OMIM 604145.
Autosomal recessive limb-girdle muscular dystrophy type 2J (LGMDR10). Also called: Limb-girdle muscular dystrophy, type 2J; MUSCULAR DYSTROPHY, LIMB-GIRDLE, AUTOSOMAL RECESSIVE 10. Identifiers: Orphanet 140922, MedGen C1837342, MONDO:0012127, OMIM 608807.

Submissions (2):

Labcorp Genetics (formerly Invitae), Labcorp
Classification: Likely pathogenic for Dilated cardiomyopathy 1G; Autosomal recessive limb-girdle muscular dystrophy type 2J. Last evaluated: 2022-07-09. Review status: criteria provided, single submitter. Criteria: Invitae Variant Classification Sherloc (09022015). Collection method: clinical testing. Allele origin: germline.
Comment: In summary, the currently available evidence indicates that the variant is pathogenic, but additional data are needed to prove that conclusively. Therefore, this variant has been classified as Likely Pathogenic. This variant is located in the A band of TTN (PMID: 25589632). Truncating variants in this region are significantly overrepresented in patients affected with dilated cardiomyopathy (PMID: 25589632). Truncating variants in this region have also been reported in individuals affected with autosomal recessive centronuclear myopathy (PMID: 23975875). Algorithms developed to predict the effect of sequence changes on RNA splicing suggest that this variant may disrupt the consensus splice site. ClinVar contains an entry for this variant (Variation ID: 223316). This variant is also known as c.64489+1G>A or c.61708+1G>A. Disruption of this splice site has been observed in individual(s) with clinical features of neuromuscular disorders and/or dilated cardiomyopathy (PMID: 22335739, 31127727). This variant is not present in population databases (gnomAD no frequency). This sequence change affects a donor splice site in intron 324 of the TTN gene. It is expected to disrupt RNA splicing and likely results in a truncated or disrupted TTN protein.

Cardiovascular Biomedical Research Unit, Royal Brompton & Harefield NHS Foundation Trust
Classification: Likely pathogenic for Primary dilated cardiomyopathy. Last evaluated: 2014-10-08. Review status: criteria provided, single submitter. Criteria: Roberts et al. 2015. Collection method: research. Allele origin: germline. Inheritance: Autosomal dominant inheritance. Affected: yes. Observed: 1 variant allele. Study: Endstage DCM.
Comment: In the seven cohorts assessed, TTNtv were found in 14% of ambulant DCM, 22% end-stage or familial DCM, and 2% controls. Heterozygous nonsense, frameshift and canonical splice-disrupting variants found in constitutive and other highly utilised exons are highly likely to be pathogenic when identified in individuals with phenotypically confirmed DCM. TTNtv found incidentally in healthy individuals (excluding familial assessment of DCM relatives) are thought to have low penetrance, particularly when identified in exons that are not constitutively expressed in the heart.

Literature cited by the submitters: PubMed 25589632 (cited by Labcorp Genetics (formerly Invitae), Labcorp); PubMed 23975875 (cited by Labcorp Genetics (formerly Invitae), Labcorp); PubMed 22335739 (cited by Labcorp Genetics (formerly Invitae), Labcorp); PubMed 31127727 (cited by Labcorp Genetics (formerly Invitae), Labcorp).

NM_001267550.2(TTN):c.69412+1G>A

Genes: TTN (titin; minus strand), TTN-AS1 (TTN antisense RNA 1; plus strand). Cytogenetic location: 2q31.2.
Variant type: single nucleotide variant.
Coding change: c.69412+1G>A on transcript NM_001267550.2 (MANE Select); the canonical splice donor site of the intron after coding-DNA position 69412, G replaced by A.
Molecular consequence: splice donor variant.
Genome position (GRCh38, 1-based): chr2:178,576,922, C>T on the plus strand (G>A on the coding strand, the complement: TTN is on the minus strand). VCF-style: chr2-178576922-C-T. GRCh37 (hg19) VCF-style: chr2-179441649-C-T.
Other names: c.69412+1G>A (LRG_391t1); c.42217+1G>A (NM_003319.4); c.42793+1G>A (NM_133437.4); c.42592+1G>A (NM_133432.3); c.61708+1G>A (NM_133378.4); c.64489+1G>A (NM_001256850.1).
Identifiers: ClinVar variation 223316 (VCV000223316.6), dbSNP rs869312074, ClinGen allele CA353374.